The following is an entry in ClinVar:

NM_005614.4(RHEB):c.104A>G (p.Tyr35Cys)

Gene: RHEB (Ras homolog, mTORC1 binding; minus strand). Cytogenetic location: 7q36.1.
Variant type: single nucleotide variant.
Coding change: c.104A>G on transcript NM_005614.4 (MANE Select); coding-DNA position 104, A replaced by G.
Protein change: p.Tyr35Cys; replaces tyrosine 35 with cysteine.
Molecular consequence: missense variant.
Genome position (GRCh38, 1-based): chr7:151,490,963, T>C on the plus strand (A>G on the coding strand, the complement: RHEB is on the minus strand). VCF-style: chr7-151490963-T-C. GRCh37 (hg19) VCF-style: chr7-151188049-T-C.
Other names: short protein forms Y35C.
Identifiers: ClinVar variation 376516 (VCV000376516.3), dbSNP rs1057519950, ClinGen allele CA16602945.
Genomic context (GRCh38, chr7:151,490,963, plus strand): 5'-AAGGCTTCTCAGTTTTTAAGTACTTGAAAACAATACTTACTGTTTTCTATGGTTGGATCG[T>C]AGGAGTCCACAAATTGGCCTTCAACAAATTGAATCGTCAATGAGGATTTCCCTATAAAAG-3'
Protein context (NP_005605.1, residues 25-45): QFVEGQFVDS[Tyr35Cys]DPTIENTFTK

ClinVar aggregate classification (germline): Pathogenic (1 of 4 stars; one submission).

Submission:

GeneDx
Classification: Pathogenic. Last evaluated: 2021-03-30. Review status: criteria provided, single submitter. Criteria: GeneDx Variant Classification Process June 2021. Collection method: clinical testing. Allele origin: germline. Affected: yes.
Comment: Not observed in large population cohorts (Lek et al., 2016); In silico analysis supports that this missense variant has a deleterious effect on protein structure/function; Has not been previously published as pathogenic or benign to our knowledge